The following is an entry in ClinVar:

NM_000321.3(RB1):c.1961-2del

Gene: RB1 (RB transcriptional corepressor 1; plus strand). Cytogenetic location: 13q14.2.
Variant type: Deletion.
Coding change: c.1961-2del on transcript NM_000321.3 (MANE Select); the canonical splice acceptor site of the intron before coding-DNA position 1961, one base deleted (A; older notation c.1961-2delA).
Molecular consequence: splice acceptor variant.
Genome position (GRCh38, 1-based): chr13:48,459,686, A deleted. VCF-style (leftmost placement, unchanged base first): chr13-48459685-CA-C. GRCh37 (hg19) VCF-style: chr13-49033821-CA-C.
Other names: c.1961-2del (NM_001407165.1).
Identifiers: ClinVar variation 3237047 (VCV003237047.1), dbSNP rs2542367847.

ClinVar aggregate classification (germline): Pathogenic (1 of 4 stars; one submission).

Conditions:
Retinoblastoma (RB1). Also called: RETINOBLASTOMA, SOMATIC. Identifiers: Orphanet 790, MedGen C0035335, MeSH D012175, MONDO:0008380, OMIM 180200, HP:0009919. Disease mechanism: loss of function. Inheritance: Both sporadic and heritable forms are tested..

Submission:

Genetic Diagnostic Laboratory, University of Pennsylvania School of Medicine
Classification: Pathogenic for Retinoblastoma. Last evaluated: 2024-05-20. Review status: criteria provided, single submitter. Criteria: ACMG Guidelines, 2015. Collection method: clinical testing. Allele origin: germline. Affected: yes. Observed: 1 variant allele.
Comment: Case and Pedigree Information: BILATERAL CASES:1, UNILATERAL CASES:0, TOTAL CASES:1, PEDIGREES:1. ACMG Codes Applied:PVS1, PM2